The following is an entry in ClinVar:

ClinVar aggregate classification (germline): Uncertain significance (1 of 4 stars; one submission).

Conditions:
Cardiovascular phenotype. Identifiers: MedGen CN230736.

Submission:

Ambry Genetics
Classification: Uncertain significance for Cardiovascular phenotype. Last evaluated: 2025-05-24. Review status: criteria provided, single submitter. Criteria: Ambry Variant Classification Scheme 2023. Collection method: clinical testing. Allele origin: germline.
Comment: The p.G140A variant (also known as c.419G>C), located in coding exon 1 of the GATA4 gene, results from a G to C substitution at nucleotide position 419. The glycine at codon 140 is replaced by alanine, an amino acid with similar properties. This amino acid position is conserved. In addition, the in silico prediction for this alteration is inconclusive. Based on the available evidence, the clinical significance of this variant remains unclear.

NM_001308093.3(GATA4):c.419G>C (p.Gly140Ala)

Gene: GATA4 (GATA binding protein 4). Cytogenetic location: 8p23.1.
Variant type: single nucleotide variant.
Coding change: c.419G>C on transcript NM_001308093.3 (MANE Select); coding-DNA position 419, G replaced by C.
Protein change: p.Gly140Ala; replaces glycine 140 with alanine.
Molecular consequence: missense variant. On other transcripts: intron variant (3).
Genome position (GRCh38, 1-based): chr8:11,708,731, G>C. VCF-style: chr8-11708731-G-C. GRCh37 (hg19) VCF-style: chr8-11566240-G-C.
Other names: c.419G>C, p.Gly140Ala (NM_002052.5); c.-6+7953G>C (NM_001308094.2); c.-3+717G>C (NM_001374274.1); c.-3+4427G>C (NM_001374273.1); short protein forms G140A.
Identifiers: ClinVar variation 4028533 (VCV004028533.1).